The following is an entry in ClinVar:

ClinVar aggregate classification (germline): Pathogenic/Likely pathogenic. Review status: criteria provided, multiple submitters, no conflicts (2 of 4 stars). 3 submissions from 3 submitters: Pathogenic (2); Likely pathogenic (1). Last evaluated 2025-11-26.

Conditions:
Cystic fibrosis (CF). Also called: MUCOVISCIDOSIS. Identifiers: Orphanet 586, MedGen C0010674, MONDO:0009061, OMIM 219700. Disease mechanism: loss of function.
Bronchiectasis with or without elevated sweat chloride 1 (BESC1). Also called: Cystic Fibrosis-Like Syndrome. Identifiers: Orphanet 60033, MedGen C2749757, MONDO:0008887, OMIM 211400.
CFTR-related disorder (CFTR-RD). Also called: CFTR-related disorders; CFTR-related condition. Identifiers: MedGen C5924204, MONDO:7770004.

gnomAD v4.1: 1 of 1,540,916 alleles (0.000065%); highest among the groups gnomAD compares: South Asian, 0.0013%; no homozygotes.

Submissions (3):

Natera, Inc.
Classification: Likely pathogenic for CFTR-related disorders. Last evaluated: 2025-11-26. Review status: criteria provided, single submitter. Criteria: Natera Variant Classification Schema (03/2026). Collection method: clinical testing. Allele origin: germline.
Comment: The c.2467G>T variant in CFTR is a nonsense variant predicted to introduce a stop codon at amino acid 823. This variant is expected to result in nonsense mediated decay, truncation, or a dysfunctional protein product. This variant is rare in the general population with a frequency below the threshold expected for the associated phenotype(s). Given the available evidence, this variant is classified as Likely Pathogenic.

Women's Health and Genetics/Laboratory Corporation of America, LabCorp
Classification: Pathogenic for Cystic fibrosis. Last evaluated: 2024-06-24. Review status: criteria provided, single submitter. Criteria: LabCorp Variant Classification Summary - May 2015. Collection method: clinical testing. Allele origin: germline.
Comment: Variant summary: CFTR c.2467G>T (p.Glu823X) results in a premature termination codon, predicted to cause a truncation of the encoded protein or absence of the protein due to nonsense mediated decay, which are commonly known mechanisms for disease. The frequency data for this variant in gnomAD is considered unreliable, as metrics indicate poor data quality at this position. c.2467G>T has been reported in the literature in individuals affected with Cystic Fibrosis (example, Kanavakis_2003). To our knowledge, no experimental evidence demonstrating an impact on protein function has been reported. The following publication has been ascertained in the context of this evaluation (PMID: 12752573). ClinVar contains an entry for this variant (Variation ID: 2680717). Based on the evidence outlined above, the variant was classified as pathogenic.

Baylor Genetics
Classification: Pathogenic for Bronchiectasis with or without elevated sweat chloride 1. Last evaluated: 2023-12-19. Review status: criteria provided, single submitter. Criteria: ACMG Guidelines, 2015. Collection method: clinical testing. Allele origin: unknown.

Literature cited by the submitters: PubMed 12752573 (cited by Women's Health and Genetics/Laboratory Corporation of America, LabCorp).

NM_000492.4(CFTR):c.2467G>T (p.Glu823Ter)

Gene: CFTR (CF transmembrane conductance regulator; plus strand). Cytogenetic location: 7q31.2.
Variant type: single nucleotide variant.
Coding change: c.2467G>T on transcript NM_000492.4 (MANE Select); coding-DNA position 2467, G replaced by T.
Protein change: p.Glu823Ter; replaces glutamic acid 823 with a stop codon.
Molecular consequence: nonsense.
Genome position (GRCh38, 1-based): chr7:117,592,634, G>T. VCF-style: chr7-117592634-G-T. GRCh37 (hg19) VCF-style: chr7-117232688-G-T.
Other names: short protein forms E823*.
Identifiers: ClinVar variation 2680717 (VCV002680717.4), dbSNP rs397508379, ClinGen allele CA326821.